The following is an entry in ClinVar:

NM_153026.3(PRICKLE1):c.1639+3A>G

Gene: PRICKLE1 (prickle planar cell polarity protein 1; minus strand). Cytogenetic location: 12q12.
Variant type: single nucleotide variant.
Coding change: c.1639+3A>G on transcript NM_153026.3 (MANE Select); 3 bases into the intron after coding-DNA position 1639, A replaced by G.
Molecular consequence: intron variant.
Genome position (GRCh38, 1-based): chr12:42,464,392, T>C on the plus strand (A>G on the coding strand, the complement: PRICKLE1 is on the minus strand). VCF-style: chr12-42464392-T-C. GRCh37 (hg19) VCF-style: chr12-42858194-T-C.
Other names: c.1639+3A>G (NM_001144883.2, NM_001144882.2, NM_001144881.2).
Identifiers: ClinVar variation 206653 (VCV000206653.15), dbSNP rs550752320, ClinGen allele CA316959.

ClinVar aggregate classification (germline): Conflicting classifications of pathogenicity. Review status: criteria provided, conflicting classifications (1 of 4 stars). 4 submissions from 4 submitters: Uncertain significance (1); Benign (1); Likely benign (2). Last evaluated 2026-01-28.

Conditions:
Epilepsy, progressive myoclonic, 1B. Also called: PME. Identifiers: Orphanet 308, MedGen C2676254, MONDO:0012904, OMIM 612437.

Allele frequency attached by ClinVar (database versions not stated): 1000 Genomes Project 0.00160; gnomAD below 0.00001 and 0.00015; TOPMed 0.00002; gnomAD exomes 0.00016 and 0.00032; ExAC 0.00040; 1000 Genomes Project 30x 0.00156.
gnomAD v4.1: 260 of 1,614,202 alleles (0.016%); highest among the groups gnomAD compares: South Asian, 0.27%; 1 homozygote.

Submissions (4):

Labcorp Genetics (formerly Invitae), Labcorp
Classification: Likely benign for Epilepsy, progressive myoclonic, 1B. Last evaluated: 2026-01-28. Review status: criteria provided, single submitter. Criteria: Invitae Variant Classification Sherloc (09022015). Collection method: clinical testing. Allele origin: germline.

Blueprint Genetics
Classification: Likely benign. Last evaluated: 2024-02-28. Review status: criteria provided, single submitter. Criteria: ACMG Guidelines, 2015. Collection method: clinical testing. Allele origin: germline.

Ambry Genetics
Classification: Uncertain significance. Last evaluated: 2016-08-22. Review status: criteria provided, single submitter. Criteria: Ambry Variant Classification Scheme 2023. Collection method: clinical testing. Allele origin: germline.
Comment: The c.1639+3A>G intronic variant results from an A to G substitution 3 nucleotides after coding exon 6 in the PRICKLE1 gene. This variant was not reported in population based cohorts in the following databases: Database of Single Nucleotide Polymorphisms (dbSNP), NHLBI Exome Sequencing Project (ESP), and 1000 Genomes Project. In the ESP, this variant was not observed in 6503 samples (13006 alleles) with coverage at this position. This nucleotide position is well conserved in available vertebrate species. Using the BDGP and ESEfinder splice site prediction tools, this alteration is not predicted to have any significant effect on this splice donor site; however, direct evidence is unavailable. Since supporting evidence is limited at this time, the clinical significance of this alteration remains unclear.

GeneDx
Classification: Benign. Last evaluated: 2014-11-21. Review status: criteria provided, single submitter. Criteria: GeneDx Variant Classification (06012015). Collection method: clinical testing. Allele origin: germline. Affected: yes.
Comment: This variant is considered likely benign or benign based on one or more of the following criteria: it is a conservative change, it occurs at a poorly conserved position in the protein, it is predicted to be benign by multiple in silico algorithms, and/or has population frequency not consistent with disease.